The following is an entry in ClinVar:

ClinVar aggregate classification (germline): Conflicting classifications of pathogenicity. Review status: criteria provided, conflicting classifications (1 of 4 stars). 2 submissions from 2 submitters: Uncertain significance (1); Likely benign (1). Last evaluated 2025-12-09.

Allele frequency attached by ClinVar (database versions not stated): ExAC 0.00003.
gnomAD v4.1: 15 of 1,613,688 alleles (0.00093%); highest among the groups gnomAD compares: Admixed American, 0.0083%; no homozygotes.

Submissions (2):

Labcorp Genetics (formerly Invitae), Labcorp
Classification: Likely benign. Last evaluated: 2025-12-09. Review status: criteria provided, single submitter. Criteria: Invitae Variant Classification Sherloc (09022015). Collection method: clinical testing. Allele origin: germline.

GeneDx
Classification: Uncertain significance. Last evaluated: 2019-07-01. Review status: criteria provided, single submitter. Criteria: GeneDx Variant Classification Process June 2021. Collection method: clinical testing. Allele origin: germline. Affected: yes.
Comment: Has not been previously published as pathogenic or benign to our knowledge; In silico analysis, which includes protein predictors and evolutionary conservation, supports a deleterious effect

NM_080680.3(COL11A2):c.3554G>A (p.Arg1185Gln)

Gene: COL11A2 (collagen type XI alpha 2 chain; minus strand). Cytogenetic location: 6p21.32.
Variant type: single nucleotide variant.
Coding change: c.3554G>A on transcript NM_080680.3 (MANE Select); coding-DNA position 3554, G replaced by A.
Protein change: p.Arg1185Gln; replaces arginine 1185 with glutamine.
Molecular consequence: missense variant.
Genome position (GRCh38, 1-based): chr6:33,170,354, C>T on the plus strand (G>A on the coding strand, the complement: COL11A2 is on the minus strand). VCF-style: chr6-33170354-C-T. GRCh37 (hg19) VCF-style: chr6-33138131-C-T.
Other names: c.3233G>A, p.Arg1078Gln (NM_080679.3); c.3296G>A, p.Arg1099Gln (NM_080681.3); short protein forms R1078Q, R1099Q, R1185Q.
Identifiers: ClinVar variation 1306727 (VCV001306727.7), dbSNP rs771004504, ClinGen allele CA3750459.
Genomic context (GRCh38, chr6:33,170,354, plus strand): 5'-GGTCTCAAGGGACAGGGGCTGAGATGACTCACATCAGCGCCATTGGGTCCAGCTGGACCT[C>T]GAGGTCCTGGGGGGCCAGGTGGTCCCTGGGGGAAACAGATACACCACAGATGAGGAAGGG-3'
Protein context (NP_542411.2, residues 1175-1195): PMGPPGPPGP[Arg1185Gln]GPAGPNGADG